The following is an entry in ClinVar:

Conditions:
Breast-ovarian cancer, familial, susceptibility to, 1 (BROVCA1). Also called: BRCA1 Hereditary Breast and Ovarian Cancer; OVARIAN CANCER, SUSCEPTIBILITY TO. Identifiers: Orphanet 145, MedGen C2676676, MONDO:0011450, OMIM 604370. Disease mechanism: loss of function.

Submission:

Brotman Baty Institute, University of Washington
No classification provided (evidence only). Condition: Breast-ovarian cancer, familial 1. Review status: no classification provided. Collection method: in vitro. Allele origin: not applicable. Functional consequence: functionally_abnormal.
ClinVar note: "not provided" was previously submitted as the classification for the variant. However, the classification appeared to be based only on an observation of functional data so it was converted to no classification on 2025-07-30.

NM_007294.4(BRCA1):c.266T>A (p.Ile89Asn)

Gene: BRCA1 (BRCA1 DNA repair associated; minus strand). Cytogenetic location: 17q21.31.
Variant type: single nucleotide variant.
Coding change: c.266T>A on transcript NM_007294.4 (MANE Select); coding-DNA position 266, T replaced by A.
Protein change: p.Ile89Asn; replaces isoleucine 89 with asparagine.
Molecular consequence: missense variant. On other transcripts: non-coding transcript variant (1).
Genome position (GRCh38, 1-based): chr17:43,104,903, A>T on the plus strand (T>A on the coding strand, the complement: BRCA1 is on the minus strand). VCF-style: chr17-43104903-A-T. GRCh37 (hg19) VCF-style: chr17-41256920-A-T.
Other names: c.266T>A, p.Ile89Asn (NM_007300.4, NM_007304.2, NM_001407598.1 and 168 more transcripts); c.188T>A, p.Ile63Asn (NM_001407653.1, NM_001407654.1, NM_001407655.1 and 21 more transcripts); c.125T>A, p.Ile42Asn (NM_001407692.1, NM_001407694.1, NM_001407695.1 and 99 more transcripts); c.56T>A, p.Ile19Asn (NM_001407853.1, NM_001407879.1, NM_001407881.1 and 58 more transcripts); c.-116T>A (NM_001407959.1, NM_001407960.1, NM_001407962.1 and 4 more transcripts); c.134T>A, p.Ile45Asn (NM_001408451.1); short protein forms I89N, I42N, I45N, I63N, I19N.
Identifiers: ClinVar variation 868815 (VCV000868815.3), dbSNP rs80357097, ClinGen allele CA10601622.